The following is an entry in ClinVar:

NM_030632.3(ASXL3):c.6646C>A (p.Arg2216=)

Gene: ASXL3 (ASXL transcriptional regulator 3; plus strand). Cytogenetic location: 18q12.1.
Variant type: single nucleotide variant.
Coding change: c.6646C>A on transcript NM_030632.3 (MANE Select); coding-DNA position 6646, C replaced by A.
Protein change: p.Arg2216=; no amino-acid change (arginine 2216 retained).
Molecular consequence: synonymous variant.
Genome position (GRCh38, 1-based): chr18:33,746,494, C>A. VCF-style: chr18-33746494-C-A. GRCh37 (hg19) VCF-style: chr18-31326458-C-A.
Identifiers: ClinVar variation 3771758 (VCV003771758.13).
Genomic context (GRCh38, chr18:33,746,494, plus strand): 5'-CCCGTTCAGAACTTTGCCGACAGCAGCAATGCAGATGAATTGGAACTGAAATGCTCTTGC[C>A]GGCTGAAAGCCATGATTGTGTGCAAAGGCTGTGGGGCCTTCTGCCATGACGACTGCATAG-3'
Protein context (NP_085135.1, residues 2206-2226): ADELELKCSC[Arg2216=]LKAMIVCKGC

ClinVar aggregate classification (germline): Uncertain significance (1 of 4 stars; one submission).

Submission:

CeGaT Center for Human Genetics Tuebingen
Classification: Uncertain significance. Last evaluated: 2025-01-01. Review status: criteria provided, single submitter. Criteria: CeGaT Center For Human Genetics Tuebingen Variant Classification Criteria Version 2. Collection method: clinical testing. Allele origin: germline. Affected: yes. Observed: 1 variant allele.
Comment: ASXL3: PM2:Supporting, BP4